The following is an entry in ClinVar:

ClinVar aggregate classification (germline): Pathogenic (1 of 4 stars; one submission).

Conditions:
18q distal deletion.

Submission:

New York Genome Center
Classification: Pathogenic for 18q distal deletion. Last evaluated: 2023-03-24. Review status: criteria provided, single submitter. Criteria: NYGC Assertion Criteria 2020. Collection method: clinical testing. Allele origin: de novo. Affected: yes. Observed: 1 variant allele.
Comment: This 18q22.1qter variant is a 15.8Mb terminal deletion on the long arm of chromosome 18. This deletion encompasses 69 genes, including 30OMIM associated genes, 6 of which are associated with disease in OMIM (RTTN, CYB5A, ZNF407, TSHZ1, CTDP1, TXNL4A). Deletions in this region of chromosome18 are often called distal 18q deletions [PMID:24092497], and can include both interstitial and terminal deletions including 18q22.1 and regions telomeric to 18q22.1. This de novo deletion is absent from population databases (Database of Genomic Variation, gnomAD SVs) suggesting it is not a common benign variant in the populations represented in those databases. One similar deletion (VarID:399029) and several smaller deletions contained within the one identified here (VarIDs:57306, 148742, 154000, 149195, others) are reported in ClinVar as Pathogenic. Deletions similar to, or smaller than and fully contained within the one identified here have been reported in many affected individuals in the literature with variable phenotypes including cardiac and kidney malformations [PMID:22302430, 19533771, 23707655, 34867966, 24092497, others]. Given its presence de novo in this fetus, report of affected individuals in the literature with similar or smaller deletions fully contained within the one identified here, and its absence in population databases, the de novo 15.8Mb 18q22.1qter deletion is reported as Pathogenic.

GRCh38/hg38 18q22.1-23(chr18:64378420-80262690)x1

Genes: ADNP2 (ADNP homeobox 2; plus strand), ATP9B (ATPase phospholipid transporting 9B; plus strand), C18orf63 (chromosome 18 open reading frame 63; plus strand), CBLN2 (cerebellin 2 precursor; minus strand), CCDC102B (coiled-coil domain containing 102B; plus strand) and 305 more. Cytogenetic location: 18q22.1-23.
Variant type: copy number loss.
Change: copy number 1 (one copy instead of two) of chr18:64,378,420-80,262,690 (15.88 Mb, GRCh38 coordinates, 1-based), cytogenetic band 18q22.1-23.
Identifiers: ClinVar variation 4888398 (VCV004888398.1).